The following is an entry in ClinVar:

NM_001201543.2(FAM161A):c.910del (p.Glu304fs)

Gene: FAM161A (FAM161 centrosomal protein A; minus strand). Cytogenetic location: 2p15.
Variant type: Deletion.
Coding change: c.910del on transcript NM_001201543.2 (MANE Select); coding-DNA position 910, one base deleted (G; older notation c.910delG).
Protein change: p.Glu304fs; shifts the reading frame from glutamic acid 304.
Molecular consequence: frameshift variant. On other transcripts: non-coding transcript variant (1).
Genome position (GRCh38, 1-based): chr2:61,840,094, C deleted on the plus strand (G on the coding strand, the reverse complement: FAM161A is on the minus strand). VCF-style (leftmost placement, unchanged base first): chr2-61840093-TC-T. GRCh37 (hg19) VCF-style: chr2-62067228-TC-T.
Other names: c.910del, p.Glu304fs (NM_032180.3); short protein forms E304fs.
Identifiers: ClinVar variation 1999898 (VCV001999898.4), dbSNP rs2466026125, ClinGen allele CA2580067627.

ClinVar aggregate classification (germline): Pathogenic (1 of 4 stars; one submission).

Submission:

Labcorp Genetics (formerly Invitae), Labcorp
Classification: Pathogenic. Last evaluated: 2022-05-28. Review status: criteria provided, single submitter. Criteria: Invitae Variant Classification Sherloc (09022015). Collection method: clinical testing. Allele origin: germline.
Comment: This sequence change creates a premature translational stop signal (p.Glu304Lysfs*7) in the FAM161A gene. It is expected to result in an absent or disrupted protein product. Loss-of-function variants in FAM161A are known to be pathogenic (PMID: 20705278, 20705279, 24651477). This variant is not present in population databases (gnomAD no frequency). This variant has not been reported in the literature in individuals affected with FAM161A-related conditions. For these reasons, this variant has been classified as Pathogenic.

Literature cited by the submitters: PubMed 20705278; PubMed 20705279; PubMed 24651477.